The following is an entry in ClinVar:

NM_000138.5(FBN1):c.64A>C (p.Ser22Arg)

Genes: FBN1 (fibrillin 1; minus strand), LOC130057019 (ATAC-STARR-seq lymphoblastoid silent region 6417; plus strand). Cytogenetic location: 15q21.1.
Variant type: single nucleotide variant.
Coding change: c.64A>C on transcript NM_000138.5 (MANE Select); coding-DNA position 64, A replaced by C.
Protein change: p.Ser22Arg; replaces serine 22 with arginine.
Molecular consequence: missense variant.
Genome position (GRCh38, 1-based): chr15:48,644,706, T>G on the plus strand (A>C on the coding strand, the complement: FBN1 is on the minus strand). VCF-style: chr15-48644706-T-G. GRCh37 (hg19) VCF-style: chr15-48936903-T-G.
Other names: c.64A>C, p.Ser22Arg (NM_001406716.1, NM_001406717.1, NM_001406718.1); short protein forms S22R.
Identifiers: ClinVar variation 4756608 (VCV004756608.1).
Genomic context (GRCh38, chr15:48,644,706, plus strand): 5'-CCCGACTGGCTCTGGTTTCCTTCACGTTCCCAGCCTCCAAATTGGCGTCCGCCCCATGGC[T>G]CGTGTAGGACGCTAAAAGCACGGTAAATCCCAGGGCGATCTCCAGCAGACGCCCTCGACG-3'
Protein context (NP_000129.3, residues 12-32): GFTVLLASYT[Ser22Arg]HGADANLEAG

ClinVar aggregate classification (germline): Uncertain significance (1 of 4 stars; one submission).

Conditions:
Familial thoracic aortic aneurysm and aortic dissection (TAAD). Also called: Thoracic aortic aneurysms and dissections. Identifiers: Orphanet 91387, MedGen C4707243, MONDO:0019625.

Submission:

Color Diagnostics, LLC DBA Color Health
Classification: Uncertain significance for Familial thoracic aortic aneurysm and aortic dissection. Last evaluated: 2025-04-19. Review status: criteria provided, single submitter. Criteria: ACMG Guidelines, 2015. Collection method: clinical testing. Allele origin: germline.
Comment: This missense variant replaces serine with arginine at codon 22 of the FBN1 protein. Computational prediction suggests that this variant may not impact protein structure and function. To our knowledge, functional studies have not been reported for this variant. This variant has not been reported in individuals affected with FBN1-related disorders in the literature. This variant has not been identified in the general population by the Genome Aggregation Database (gnomAD). The available evidence is insufficient to determine the role of this variant in disease conclusively. Therefore, this variant is classified as a Variant of Uncertain Significance.